The following is an entry in ClinVar:

ClinVar aggregate classification (germline): Uncertain significance. Review status: criteria provided, multiple submitters, no conflicts (2 of 4 stars). 2 submissions from 2 submitters: Uncertain significance (2). Last evaluated 2025-09-01.

Conditions:
Inborn genetic diseases. Identifiers: MedGen C0950123, MeSH D030342.
Fanconi anemia (FA). Also called: Fanconi's anemia. Identifiers: Orphanet 84, MedGen C0015625, MeSH D005199, MONDO:0019391.

Submissions (2):

Ambry Genetics
Classification: Uncertain significance for Inborn genetic diseases. Last evaluated: 2025-09-01. Review status: criteria provided, single submitter. Criteria: Ambry Variant Classification Scheme 2023. Collection method: clinical testing. Allele origin: germline.
Comment: The p.L1436H variant (also known as c.4307T>A), located in coding exon 43 of the FANCA gene, results from a T to A substitution at nucleotide position 4307. The leucine at codon 1436 is replaced by histidine, an amino acid with similar properties. This amino acid position is conserved. In addition, this alteration is predicted to be deleterious by in silico analysis. Based on the available evidence, the clinical significance of this variant remains unclear.

Labcorp Genetics (formerly Invitae), Labcorp
Classification: Uncertain significance for Fanconi anemia. Last evaluated: 2022-05-14. Review status: criteria provided, single submitter. Criteria: Invitae Variant Classification Sherloc (09022015). Collection method: clinical testing. Allele origin: germline.
Comment: This sequence change replaces leucine, which is neutral and non-polar, with histidine, which is basic and polar, at codon 1436 of the FANCA protein (p.Leu1436His). This variant is not present in population databases (gnomAD no frequency). This variant has not been reported in the literature in individuals affected with FANCA-related conditions. Advanced modeling of protein sequence and biophysical properties (such as structural, functional, and spatial information, amino acid conservation, physicochemical variation, residue mobility, and thermodynamic stability) performed at Invitae indicates that this missense variant is expected to disrupt FANCA protein function. In summary, the available evidence is currently insufficient to determine the role of this variant in disease. Therefore, it has been classified as a Variant of Uncertain Significance.

NM_000135.4(FANCA):c.4307T>A (p.Leu1436His)

Genes: FANCA (FA complementation group A; minus strand), ZNF276 (zinc finger protein 276; plus strand). Cytogenetic location: 16q24.3.
Variant type: single nucleotide variant.
Coding change: c.4307T>A on transcript NM_000135.4 (MANE Select); coding-DNA position 4307, T replaced by A.
Protein change: p.Leu1436His; replaces leucine 1436 with histidine.
Molecular consequence: missense variant. On other transcripts: 3 prime UTR variant (3), non-coding transcript variant (4).
Genome position (GRCh38, 1-based): chr16:89,738,662, A>T on the plus strand (T>A on the coding strand, the complement: FANCA is on the minus strand). VCF-style: chr16-89738662-A-T. GRCh37 (hg19) VCF-style: chr16-89805070-A-T.
Other names: c.*36T>A (NM_001286167.3); c.*416A>T (NM_001113525.2, NM_152287.4); short protein forms L1436H.
Identifiers: ClinVar variation 2154401 (VCV002154401.2), dbSNP rs2151709812, ClinGen allele CA397483073.
Genomic context (GRCh38, chr16:89,738,662, plus strand): 5'-CAGAAGAGATGAGGCTCCTGGGACAGGTCAGCGTCAGGGGCAGCCTGCTGTCTGCTCTGG[A>T]GGGCGGCGCTCACCTCTGGGTCGCAGTCCCCACGATCAGCCAGCAGCTGTGAGAGAGGAG-3'
Protein context (NP_000126.2, residues 1426-1446): GDCDPEVSAA[Leu1436His]QSRQQAAPDA